The following is an entry in ClinVar:

ClinVar aggregate classification (germline): Uncertain significance (1 of 4 stars; one submission).

Conditions:
Pierpont syndrome (PRPTS). Identifiers: Orphanet 487825, MedGen C1865644, MONDO:0011213, OMIM 602342.

Allele frequency attached by ClinVar (database versions not stated): gnomAD 0.00001.

Submission:

Labcorp Genetics (formerly Invitae), Labcorp
Classification: Uncertain significance for Pierpont syndrome. Last evaluated: 2025-10-14. Review status: criteria provided, single submitter. Criteria: Invitae Variant Classification Sherloc (09022015). Collection method: clinical testing. Allele origin: germline.
Comment: This sequence change replaces methionine, which is neutral and non-polar, with isoleucine, which is neutral and non-polar, at codon 149 of the TBL1XR1 protein (p.Met149Ile). This variant is not present in population databases (gnomAD no frequency). This variant has not been reported in the literature in individuals affected with TBL1XR1-related conditions. ClinVar contains an entry for this variant (Variation ID: 949384). Invitae Evidence Modeling of protein sequence and biophysical properties (such as structural, functional, and spatial information, amino acid conservation, physicochemical variation, residue mobility, and thermodynamic stability) indicates that this missense variant is not expected to disrupt TBL1XR1 protein function with a negative predictive value of 95%. In summary, the available evidence is currently insufficient to determine the role of this variant in disease. Therefore, it has been classified as a Variant of Uncertain Significance.

NM_024665.7(TBL1XR1):c.447G>T (p.Met149Ile)

Gene: TBL1XR1 (TBL1X/Y related 1; minus strand). Cytogenetic location: 3q26.32.
Variant type: single nucleotide variant.
Coding change: c.447G>T on transcript NM_024665.7 (MANE Select); coding-DNA position 447, G replaced by T.
Protein change: p.Met149Ile; replaces methionine 149 with isoleucine.
Molecular consequence: missense variant.
Genome position (GRCh38, 1-based): chr3:177,050,591, C>A on the plus strand (G>T on the coding strand, the complement: TBL1XR1 is on the minus strand). VCF-style: chr3-177050591-C-A. GRCh37 (hg19) VCF-style: chr3-176768379-C-A.
Other names: c.186G>T, p.Met62Ile (NM_001321195.3, NM_001374330.1); c.447G>T, p.Met149Ile (NM_001374327.1, NM_001374328.1, NM_001374329.1 and 2 more transcripts); short protein forms M62I, M149I.
Identifiers: ClinVar variation 949384 (VCV000949384.9), dbSNP rs1716927122, ClinGen allele CA355552970.